The following is an entry in ClinVar:

NM_000888.5(ITGB6):c.1883+7T>G

Gene: ITGB6 (integrin subunit beta 6; minus strand). Cytogenetic location: 2q24.2.
Variant type: single nucleotide variant.
Coding change: c.1883+7T>G on transcript NM_000888.5 (MANE Select); 7 bases into the intron after coding-DNA position 1883, T replaced by G.
Molecular consequence: intron variant.
Genome position (GRCh38, 1-based): chr2:160,126,372, A>C on the plus strand (T>G on the coding strand, the complement: ITGB6 is on the minus strand). VCF-style: chr2-160126372-A-C. GRCh37 (hg19) VCF-style: chr2-160982883-A-C.
Other names: c.1883+7T>G (NM_001282353.2); c.1598+7T>G (NM_001282354.2); c.1469+7T>G (NM_001282390.2); c.1757+7T>G (NM_001282388.2); c.1664+7T>G (NM_001282389.2); c.1660+11062T>G (NM_001282355.2).
Identifiers: ClinVar variation 3033081 (VCV003033081.2), dbSNP rs2469175358, ClinGen allele CA2577134234.

ClinVar aggregate classification (germline): Likely benign (0 of 4 stars; one submission).

Conditions:
ITGB6-related disorder. Also called: ITGB6-related condition.

Submission:

PreventionGenetics, part of Exact Sciences
Classification: Likely benign for ITGB6-related condition. Last evaluated: 2022-06-16. Review status: no assertion criteria provided. Collection method: clinical testing. Allele origin: germline.
Comment: This variant is classified as likely benign based on ACMG/AMP sequence variant interpretation guidelines (Richards et al. 2015 PMID: 25741868, with internal and published modifications).